The following is an entry in ClinVar:

ClinVar aggregate classification (germline): Conflicting classifications of pathogenicity. Review status: criteria provided, conflicting classifications (1 of 4 stars). 5 submissions from 5 submitters: Uncertain significance (4); Likely benign (1). Last evaluated 2025-12-25.

Conditions:
ITGB4-related disorder. Also called: ITGB4-related condition.
Junctional epidermolysis bullosa with pyloric atresia. Also called: Junctional Epidermolysis Bullosa- Pyloric Atresia Syndrome; EPIDERMOLYSIS BULLOSA, JUNCTIONAL 5B, WITH PYLORIC ATRESIA; Epidermolysis bullosa, junctional, with pyloric atresia and aplasia cutis congenita; Epidermolysis bullosa junctionalis with pyloric atresia; APLASIA CUTIS CONGENITA WITH GASTROINTESTINAL ATRESIA; CARMI SYNDROME. Identifiers: Orphanet 79403, MedGen C5676875, MONDO:0009183, OMIM 226730.
Epidermolysis bullosa, junctional 5A, intermediate. Also called: EPIDERMOLYSIS BULLOSA, JUNCTIONAL 5A, GENERALIZED INTERMEDIATE; EPIDERMOLYSIS BULLOSA, JUNCTIONAL 5A, NON-HERLITZ TYPE. Identifiers: MedGen C5676956, MONDO:0030768, OMIM 619816.

Allele frequency attached by ClinVar (database versions not stated): TOPMed 0.00028; gnomAD 0.00040 and 0.00041; gnomAD exomes 0.00034 and 0.00037; ExAC 0.00042; ESP Exome Variant Server 0.00023.
gnomAD v4.1: 551 of 1,611,964 alleles (0.034%); highest among the groups gnomAD compares: Non-Finnish European, 0.041%; no homozygotes.

Submissions (5):

Labcorp Genetics (formerly Invitae), Labcorp
Classification: Likely benign. Last evaluated: 2025-12-25. Review status: criteria provided, single submitter. Criteria: Invitae Variant Classification Sherloc (09022015). Collection method: clinical testing. Allele origin: germline.

PreventionGenetics, part of Exact Sciences
Classification: Uncertain significance for ITGB4-related condition. Last evaluated: 2025-05-06. Review status: criteria provided, single submitter. Criteria: ACMG Guidelines, 2015. Collection method: clinical testing. Allele origin: germline.
Comment: The ITGB4 c.5264C>T variant is predicted to result in the amino acid substitution p.Pro1755Leu. To our knowledge, this variant has not been reported in the literature. This variant is reported in 0.077% of alleles in individuals of European (Non-Finnish) descent in gnomAD, which is likely too common for an undocumented disease-causing variant. Although we suspect that this variant may be benign, at this time, the clinical significance of this variant is uncertain due to the absence of conclusive functional and genetic evidence.

Department of Pathology and Laboratory Medicine, Sinai Health System
Classification: Uncertain significance for Junctional epidermolysis bullosa with pyloric atresia; Epidermolysis bullosa, junctional 5A, intermediate. Last evaluated: 2023-10-11. Review status: criteria provided, single submitter. Criteria: ACMG Guidelines, 2015. Collection method: research. Allele origin: germline.

Fulgent Genetics
Classification: Uncertain significance for Junctional epidermolysis bullosa with pyloric atresia; Epidermolysis bullosa, junctional 5A, intermediate. Last evaluated: 2022-03-17. Review status: criteria provided, single submitter. Criteria: ACMG Guidelines, 2015. Collection method: clinical testing. Allele origin: unknown.

Illumina Laboratory Services, Illumina
Classification: Uncertain significance for Junctional epidermolysis bullosa with pyloric atresia. Last evaluated: 2018-01-13. Review status: criteria provided, single submitter. Criteria: ICSL Variant Classification Criteria 13 December 2019. Collection method: clinical testing. Allele origin: germline.

NM_000213.5(ITGB4):c.5264C>T (p.Pro1755Leu)

Genes: GALK1 (galactokinase 1; minus strand), ITGB4 (integrin subunit beta 4; plus strand). Cytogenetic location: 17q25.1.
Variant type: single nucleotide variant.
Coding change: c.5264C>T on transcript NM_000213.5 (MANE Select); coding-DNA position 5264, C replaced by T.
Protein change: p.Pro1755Leu; replaces proline 1755 with leucine.
Molecular consequence: missense variant. On other transcripts: intron variant (1).
Genome position (GRCh38, 1-based): chr17:75,757,245, C>T. VCF-style: chr17-75757245-C-T. GRCh37 (hg19) VCF-style: chr17-73753326-C-T.
Other names: c.5054C>T, p.Pro1685Leu (NM_001005731.3, NM_001321123.2); c.4904C>T, p.Pro1635Leu (NM_001438834.1); c.*22+789G>A (NM_001381985.1); c.5213C>T, p.Pro1738Leu (NM_001005619.2); c.5264C>T (NM_000213.4); short protein forms P1738L, P1685L, P1755L, P1635L.
Identifiers: ClinVar variation 889725 (VCV000889725.11), dbSNP rs140577812, ClinGen allele CA8770536.